The following is an entry in ClinVar:

ClinVar aggregate classification (germline): Uncertain significance (1 of 4 stars; one submission).

Submission:

Labcorp Genetics (formerly Invitae), Labcorp
Classification: Uncertain significance. Last evaluated: 2023-11-18. Review status: criteria provided, single submitter. Criteria: Invitae Variant Classification Sherloc (09022015). Collection method: clinical testing. Allele origin: germline.
Comment: A copy number gain of the genomic region encompassing the full coding sequence of the GATAD2B gene has been identified. The boundaries of this event are unknown as they extend beyond the assayed region for this gene and therefore may encompass additional genes. As the precise location of this event is unknown, it may be in tandem or it may be located elsewhere in the genome. This variant has not been reported in the literature in individuals affected with GATAD2B-related conditions. In summary, the available evidence is currently insufficient to determine the role of this variant in disease. Therefore, it has been classified as a Variant of Uncertain Significance.

NC_000001.10:g.(?_153782653)_(153800823_?)dup

Gene: GATAD2B (GATA zinc finger domain containing 2B; minus strand). Cytogenetic location: 1q21.3.
Variant type: Duplication.
Identifiers: ClinVar variation 2426581 (VCV002426581.4).